The following is an entry in ClinVar:

ClinVar aggregate classification (germline): Uncertain significance (1 of 4 stars; one submission).

Conditions:
Neuropathy, hereditary sensory and autonomic, type 2A (HSAN2A). Also called: WNK1-Related HSAN2 (HSAN2A); ACROOSTEOLYSIS, GIACCAI TYPE; ACROOSTEOLYSIS, NEUROGENIC; MORVAN DISEASE; NEUROPATHY, CONGENITAL SENSORY; NEUROPATHY, HEREDITARY SENSORY RADICULAR, AUTOSOMAL RECESSIVE. Identifiers: Orphanet 970, MedGen C2752089, MONDO:0024309, OMIM 201300.
Pseudohypoaldosteronism type 2C (PHA2C). Also called: Pseudohypoaldosteronism Type IIC. Identifiers: Orphanet 757, Orphanet 88940, MedGen C1840391, MONDO:0013778, OMIM 614492.

gnomAD v4.1: 17 of 1,613,406 alleles (0.0011%); highest among the groups gnomAD compares: Admixed American, 0.0067%; no homozygotes.

Submission:

Labcorp Genetics (formerly Invitae), Labcorp
Classification: Uncertain significance for Neuropathy, hereditary sensory and autonomic, type 2A; Pseudohypoaldosteronism type 2C. Last evaluated: 2025-07-21. Review status: criteria provided, single submitter. Criteria: Invitae Variant Classification Sherloc (09022015). Collection method: clinical testing. Allele origin: germline.
Comment: This sequence change replaces proline, which is neutral and non-polar, with leucine, which is neutral and non-polar, at codon 2262 of the WNK1 protein (p.Pro2262Leu). This variant is present in population databases (rs764595104, gnomAD 0.009%). This variant has not been reported in the literature in individuals affected with WNK1-related conditions. Invitae Evidence Modeling of protein sequence and biophysical properties (such as structural, functional, and spatial information, amino acid conservation, physicochemical variation, residue mobility, and thermodynamic stability) indicates that this missense variant is not expected to disrupt WNK1 protein function with a negative predictive value of 95%. In summary, the available evidence is currently insufficient to determine the role of this variant in disease. Therefore, it has been classified as a Variant of Uncertain Significance.

NM_018979.4(WNK1):c.6029C>T (p.Pro2010Leu)

Gene: WNK1 (WNK lysine deficient protein kinase 1; plus strand). Cytogenetic location: 12p13.33.
Variant type: single nucleotide variant.
Coding change: c.6029C>T on transcript NM_018979.4 (MANE Select); coding-DNA position 6029, C replaced by T.
Protein change: p.Pro2010Leu; replaces proline 2010 with leucine.
Molecular consequence: missense variant.
Genome position (GRCh38, 1-based): chr12:896,516, C>T. VCF-style: chr12-896516-C-T. GRCh37 (hg19) VCF-style: chr12-1005682-C-T.
Other names: c.6809C>T, p.Pro2270Leu (NM_001184985.2); c.5285C>T, p.Pro1762Leu (NM_014823.3); c.6785C>T, p.Pro2262Leu (NM_213655.5); short protein forms P1762L, P2262L, P2270L, P2010L.
Identifiers: ClinVar variation 4790063 (VCV004790063.1).
Genomic context (GRCh38, chr12:896,516, plus strand): 5'-CTGCTGTGATACCAAAGAAAGAGAAGCCTGAACTGTCAGAGCCTTCACATCTAAATGGGC[C>T]GTCTTCTGACCCGGAGGCCGCTTTTTTAAGTAGGGATGTGGATGATGGTTCCGGTAGTCC-3'
Protein context (NP_061852.3, residues 2000-2020): ELSEPSHLNG[Pro2010Leu]SSDPEAAFLS